The following is an entry in ClinVar:

ClinVar aggregate classification (germline): Uncertain significance (1 of 4 stars; one submission).

Conditions:
Wilson disease (WND). Also called: Wilson's disease. Identifiers: Orphanet 905, MedGen C0019202, MONDO:0010200, OMIM 277900. Disease mechanism: loss of function.

gnomAD v4.1: 1 of 1,614,152 alleles (0.000062%); highest among the groups gnomAD compares: Non-Finnish European, 0.000085%; no homozygotes.

Submission:

All of Us Research Program, National Institutes of Health
Classification: Uncertain significance for Wilson disease. Last evaluated: 2024-08-13. Review status: criteria provided, single submitter. Criteria: ACMG Guidelines, 2015. Collection method: clinical testing. Allele origin: germline. Inheritance: Autosomal recessive inheritance. Observed: 1 variant allele, 1 heterozygote.
Comment: This missense variant replaces valine with alanine at codon 521 of the ATP7B protein. Computational prediction suggests that this variant may have deleterious impact on protein structure and function (internally defined REVEL score threshold >= 0.7, PMID: 27666373). To our knowledge, functional studies have not been reported for this variant. This variant has not been reported in individuals affected with ATP7B-related disorders in the literature. This variant has not been identified in the general population by the Genome Aggregation Database (gnomAD). The available evidence is insufficient to determine the role of this variant in disease conclusively. Therefore, this variant is classified as a Variant of Uncertain Significance.

This study involves interpretation of variants in research participants for the purpose of population health screening. Participant phenotype was not available at the time of variant classification. Additional details can be found in publication PMID: 35346344, PMCID: PMC8962531

NM_000053.4(ATP7B):c.1562T>C (p.Val521Ala)

Gene: ATP7B (ATPase copper transporting beta; minus strand). Cytogenetic location: 13q14.3.
Variant type: single nucleotide variant.
Coding change: c.1562T>C on transcript NM_000053.4 (MANE Select); coding-DNA position 1562, T replaced by C.
Protein change: p.Val521Ala; replaces valine 521 with alanine.
Molecular consequence: missense variant. On other transcripts: intron variant (3).
Genome position (GRCh38, 1-based): chr13:51,968,589, A>G on the plus strand (T>C on the coding strand, the complement: ATP7B is on the minus strand). VCF-style: chr13-51968589-A-G. GRCh37 (hg19) VCF-style: chr13-52542725-A-G.
Other names: c.1562T>C, p.Val521Ala (NM_001406519.1, NM_001406520.1, NM_001406521.1 and 26 more transcripts); c.1466T>C, p.Val489Ala (NM_001406530.1, NM_001406543.1, NM_001406544.1 and 3 more transcripts); c.1285+5346T>C (NM_001406548.1); c.1544-15T>C (NM_001406524.1, NM_001406514.1); c.1133T>C, p.Val378Ala (NM_001406539.1); c.1229T>C, p.Val410Ala (NM_001243182.2); short protein forms V378A, V410A, V489A, V521A.
Identifiers: ClinVar variation 3385618 (VCV003385618.1).